The following is an entry in ClinVar:

NM_000277.3(PAH):c.498C>G (p.Tyr166Ter)

Gene: PAH (phenylalanine hydroxylase; minus strand). Cytogenetic location: 12q23.2.
Variant type: single nucleotide variant.
Coding change: c.498C>G on transcript NM_000277.3 (MANE Select); coding-DNA position 498, C replaced by G.
Protein change: p.Tyr166Ter; replaces tyrosine 166 with a stop codon.
Molecular consequence: nonsense.
Genome position (GRCh38, 1-based): chr12:102,866,607, G>C on the plus strand (C>G on the coding strand, the complement: PAH is on the minus strand). VCF-style: chr12-102866607-G-C. GRCh37 (hg19) VCF-style: chr12-103260385-G-C.
Other names: NM_000277.3(PAH):c.498C>G; p.Tyr166Ter; c.498C>G, p.Tyr166Ter (NM_001354304.2); short protein forms Y166*.
Identifiers: ClinVar variation 371373 (VCV000371373.18), dbSNP rs199475645, ClinGen allele CA16020801.

ClinVar aggregate classification (germline): Pathogenic. Review status: reviewed by expert panel (3 of 4 stars). 7 submissions from 7 submitters: Pathogenic (1). 6 of the submissions do not count toward it. Last evaluated 2022-01-22.

Conditions:
Phenylketonuria (PKU). Also called: OLIGOPHRENIA PHENYLPYRUVICA; Phenylketonurias; FOLLING DISEASE; Phenylketonuria (PKU). Identifiers: Orphanet 716, MedGen C0031485, MONDO:0009861, OMIM 261600. Disease mechanism: loss of function.

Submissions (7):

ClinGen PAH Variant Curation Expert Panel
Classification: Pathogenic for Phenylketonuria. Last evaluated: 2022-01-22. Review status: reviewed by expert panel. Criteria: ClinGen PAH ACMG Specifications v1. Collection method: curation. Allele origin: germline. Inheritance: Autosomal recessive inheritance.
Comment: The c.498C>G (p.Tyr166Ter) variant in PAH is a nonsense variant in exon 5 of 13 in PAH, predicted to undergo nonsense mediated decay. (PM3, PP4, PMID:31355225). This variant is absent from ExAC/gnomAD, 1000 Genomes, and ESP (PM2). In summary, this variant meets criteria to be classified as pathogenic for PAH. PAH-specific ACMG/AMP criteria applied: PVS1, PM2, PM3_supporting, PP4_moderate.

Labcorp Genetics (formerly Invitae), Labcorp
Classification: Pathogenic for Phenylketonuria. Last evaluated: 2026-01-19. Review status: criteria provided, single submitter. Criteria: Invitae Variant Classification Sherloc (09022015). Collection method: clinical testing. Allele origin: germline. Not counted in ClinVar's aggregate classification.
Comment: This sequence change creates a premature translational stop signal (p.Tyr166*) in the PAH gene. It is expected to result in an absent or disrupted protein product. Loss-of-function variants in PAH are known to be pathogenic (PMID: 1301187, 9634518). This variant is not present in population databases (gnomAD no frequency). This premature translational stop signal has been observed in individual(s) with hyperphenylalaninemia and/or phenylketonuria (PMID: 16256386, 28754886, 29176022). ClinVar contains an entry for this variant (Variation ID: 371373). For these reasons, this variant has been classified as Pathogenic.

Baylor Genetics
Classification: Pathogenic for Phenylketonuria. Last evaluated: 2024-02-28. Review status: criteria provided, single submitter. Criteria: ACMG Guidelines, 2015. Collection method: clinical testing. Allele origin: unknown. Not counted in ClinVar's aggregate classification.

Women's Health and Genetics/Laboratory Corporation of America, LabCorp
Classification: Pathogenic for Phenylketonuria. Last evaluated: 2022-02-07. Review status: criteria provided, single submitter. Criteria: LabCorp Variant Classification Summary - May 2015. Collection method: clinical testing. Allele origin: germline. Not counted in ClinVar's aggregate classification.
Comment: Variant summary: PAH c.498C>G (p.Tyr166X) results in a premature termination codon, predicted to cause a truncation of the encoded protein or absence of the protein due to nonsense mediated decay, which are commonly known mechanisms for disease. The variant was absent in 251362 control chromosomes (gnomAD). The variant c.498C>G has been reported in the literature in several homozygous and compound heterozygous individuals affected with Phenylalanine Hydroxylase Deficiency (Phenylketonuria) (e.g. Zhu_2013, Tao_2015, Li_2018, Xiao_2021). These data indicate that the variant is very likely to be associated with disease. To our knowledge, no experimental evidence demonstrating an impact on protein function has been reported. Two clinical diagnostic laboratories have submitted clinical-significance assessments for this variant to ClinVar, and both of them classified the variant as pathogenic. Based on the evidence outlined above, the variant was classified as pathogenic.

Juno Genomics, Hangzhou Juno Genomics, Inc
Classification: Pathogenic for Phenylketonuria. Review status: criteria provided, single submitter. Criteria: ACMG Guidelines, 2015. Collection method: clinical testing. Allele origin: germline. Affected: yes. Not counted in ClinVar's aggregate classification.
Comment: Absent from controls (or at extremely low frequency if recessive) in Genome Aggregation Database.;Null variant in a gene where loss of function (LOF) is a known mechanism of disease.;For recessive disorders, detected in trans with a pathogenic variant.

Natera, Inc.
Classification: Pathogenic for Phenylketonuria. Last evaluated: 2020-07-05. Review status: no assertion criteria provided. Collection method: clinical testing. Allele origin: germline. Not counted in ClinVar's aggregate classification.

Counsyl
Classification: Pathogenic for Phenylketonuria. Last evaluated: 2016-09-07. Review status: no assertion criteria provided. Collection method: clinical testing. Allele origin: unknown. Not counted in ClinVar's aggregate classification.

Literature cited by the submitters: PubMed 1301187 (cited by Labcorp Genetics (formerly Invitae), Labcorp); PubMed 9634518 (cited by Labcorp Genetics (formerly Invitae), Labcorp); PubMed 16256386 (cited by Labcorp Genetics (formerly Invitae), Labcorp and Counsyl); PubMed 28754886 (cited by Labcorp Genetics (formerly Invitae), Labcorp); PubMed 29176022 (cited by Labcorp Genetics (formerly Invitae), Labcorp); PubMed 26322415 (cited by Women's Health and Genetics/Laboratory Corporation of America, LabCorp); PubMed 23932990 (cited by Women's Health and Genetics/Laboratory Corporation of America, LabCorp); PubMed 30050108 (cited by Women's Health and Genetics/Laboratory Corporation of America, LabCorp); PubMed 34039861 (cited by Women's Health and Genetics/Laboratory Corporation of America, LabCorp); PubMed 25525159 (cited by Counsyl); PubMed 25550961 (cited by Counsyl); PubMed 9949232 (cited by Counsyl).